The following is an entry in ClinVar:

NM_198514.4(NHLRC2):c.1751T>C (p.Leu584Pro)

Gene: NHLRC2 (NHL repeat containing 2; plus strand). Cytogenetic location: 10q25.3.
Variant type: single nucleotide variant.
Coding change: c.1751T>C on transcript NM_198514.4 (MANE Select); coding-DNA position 1751, T replaced by C.
Protein change: p.Leu584Pro; replaces leucine 584 with proline.
Molecular consequence: missense variant.
Genome position (GRCh38, 1-based): chr10:113,904,863, T>C. VCF-style: chr10-113904863-T-C. GRCh37 (hg19) VCF-style: chr10-115664622-T-C.
Other names: short protein forms L584P.
Identifiers: ClinVar variation 1331528 (VCV001331528.16), dbSNP rs144606661, ClinGen allele CA5698091.

ClinVar aggregate classification (germline): Conflicting classifications of pathogenicity. Review status: criteria provided, conflicting classifications (1 of 4 stars). 4 submissions from 4 submitters: Uncertain significance (1); Likely benign (2). 1 of the submissions does not count toward it. Last evaluated 2025-07-01.

Conditions:
NHLRC2-related disorder. Also called: NHLRC2-related condition.
Inborn genetic diseases. Identifiers: MedGen C0950123, MeSH D030342.

Allele frequency attached by ClinVar (database versions not stated): gnomAD exomes 0.00021 and 0.00047; ExAC 0.00052; gnomAD 0.00203 and 0.00213; TOPMed 0.00241; 1000 Genomes Project 30x 0.00265; 1000 Genomes Project 0.00280; ESP Exome Variant Server 0.00292.

Submissions (4):

CeGaT Center for Human Genetics Tuebingen
Classification: Likely benign. Last evaluated: 2025-07-01. Review status: criteria provided, single submitter. Criteria: CeGaT Center For Human Genetics Tuebingen Variant Classification Criteria Version 2. Collection method: clinical testing. Allele origin: germline. Affected: yes. Observed: 1 variant allele.
Comment: NHLRC2: BP4, BS2

Ambry Genetics
Classification: Likely benign for Inborn genetic diseases. Last evaluated: 2022-01-04. Review status: criteria provided, single submitter. Criteria: Ambry Variant Classification Scheme 2023. Collection method: clinical testing. Allele origin: germline.

Greenwood Genetic Center Diagnostic Laboratories, Greenwood Genetic Center
Classification: Uncertain significance. Last evaluated: 2020-11-03. Review status: criteria provided, single submitter. Criteria: ACMG Guidelines, 2015. Collection method: clinical testing. Allele origin: germline. Affected: yes.
Comment: BP4

PreventionGenetics, part of Exact Sciences
Classification: Likely benign for NHLRC2-related condition. Last evaluated: 2024-09-04. Review status: no assertion criteria provided. Collection method: clinical testing. Allele origin: germline. Not counted in ClinVar's aggregate classification.
Comment: This variant is classified as likely benign based on ACMG/AMP sequence variant interpretation guidelines (Richards et al. 2015 PMID: 25741868, with internal and published modifications).